The following is an entry in ClinVar:

ClinVar aggregate classification (germline): Uncertain significance (1 of 4 stars; one submission).

Conditions:
Hereditary breast ovarian cancer syndrome. Also called: Hereditary breast and ovarian cancer syndrome; Hereditary breast and ovarian cancer; Breast and ovarian cancer; Hereditary breast and ovarian cancer syndrome (HBOC); BRCA1- and BRCA2-Associated Hereditary Breast and Ovarian Cancer; Hereditary breast and/or ovarian cancer syndrome. Identifiers: Orphanet 145, MedGen C0677776, MeSH D061325, MONDO:0003582. Disease mechanism: loss of function.

Submission:

German Consortium for Hereditary Breast and Ovarian Cancer, University Hospital Cologne
Classification: Uncertain significance for Hereditary breast ovarian cancer syndrome. Last evaluated: 2026-07-14. Review status: criteria provided, single submitter. Criteria: ClinGen BRCA1 1.2.0. Collection method: curation. Allele origin: germline.
Comment: This classification follows the ClinGen ENIGMA BRCA1 v1.2.0 classification scheme

NM_007294.4(BRCA1):c.5246_5248del (p.Pro1749_Lys1750delinsGln)

Gene: BRCA1 (BRCA1 DNA repair associated; minus strand). Cytogenetic location: 17q21.31.
Variant type: Deletion.
Coding change: c.5246_5248del on transcript NM_007294.4 (MANE Select); coding-DNA positions 5246 to 5248, 3 bases deleted (CAA; older notation c.5246_5248delCAA).
Protein change: p.Pro1749_Lys1750delinsGln.
Molecular consequence: inframe indel.
Genome position (GRCh38, 1-based): chr17:43,057,081-43,057,083, TTG deleted on the plus strand (CAA on the coding strand, the reverse complement: BRCA1 is on the minus strand). VCF-style (leftmost placement, unchanged base first): chr17-43057080-TTTG-T. GRCh37 (hg19) VCF-style: chr17-41209097-TTTG-T.
Other names: c.5120_5122del, p.Pro1707_Lys1708delinsGln (NM_001407670.1, NM_001407671.1, NM_001407672.1 and 10 more transcripts); c.5117_5119del, p.Pro1706_Lys1707delinsGln (NM_001407681.1, NM_001407682.1, NM_001407683.1 and 6 more transcripts); c.5246_5248del, p.Pro1749_Lys1750delinsGln (NM_001407684.1, NM_001407593.1, NM_001407594.1 and 7 more transcripts); c.5033_5035del, p.Pro1678_Lys1679delinsGln (NM_001407571.1, NM_001407894.1, NM_001407895.1 and 12 more transcripts); c.5312_5314del, p.Pro1771_Lys1772delinsGln (NM_001407581.1, NM_001407582.1); c.5309_5311del, p.Pro1770_Lys1771delinsGln (NM_001407583.1, NM_001407585.1, NM_001407587.1 and 1 more transcripts); c.5306_5308del, p.Pro1769_Lys1770delinsGln (NM_001407590.1, NM_001407591.1); c.5243_5245del, p.Pro1748_Lys1749delinsGln (NM_001407610.1, NM_001407611.1, NM_001407612.1 and 17 more transcripts); and 72 more.
Identifiers: ClinVar variation 4880486 (VCV004880486.1).